The following is an entry in ClinVar:

ClinVar aggregate classification (germline): Uncertain significance (1 of 4 stars; one submission).

gnomAD v4.1: 3 of 1,614,202 alleles (0.00019%); highest among the groups gnomAD compares: Admixed American, 0.0033%; no homozygotes.

Submission:

Ambry Genetics
Classification: Uncertain significance. Last evaluated: 2025-08-31. Review status: criteria provided, single submitter. Criteria: Ambry Variant Classification Scheme 2023. Collection method: clinical testing. Allele origin: germline.
Comment: The p.D1169N variant (also known as c.3505G>A), located in coding exon 13 of the CDK12 gene, results from a G to A substitution at nucleotide position 3505. The aspartic acid at codon 1169 is replaced by asparagine, an amino acid with highly similar properties. This amino acid position is conserved. In addition, this alteration is predicted to be tolerated by in silico analysis. Based on the available evidence, the clinical significance of this variant remains unclear.

NM_016507.4(CDK12):c.3505G>A (p.Asp1169Asn)

Gene: CDK12 (cyclin dependent kinase 12; plus strand). Cytogenetic location: 17q12.
Variant type: single nucleotide variant.
Coding change: c.3505G>A on transcript NM_016507.4 (MANE Select); coding-DNA position 3505, G replaced by A.
Protein change: p.Asp1169Asn; replaces aspartic acid 1169 with asparagine.
Molecular consequence: missense variant.
Genome position (GRCh38, 1-based): chr17:39,526,061, G>A. VCF-style: chr17-39526061-G-A. GRCh37 (hg19) VCF-style: chr17-37682314-G-A.
Other names: c.3505G>A, p.Asp1169Asn (NM_015083.4); short protein forms D1169N.
Identifiers: ClinVar variation 4224430 (VCV004224430.1).
Genomic context (GRCh38, chr17:39,526,061, plus strand): 5'-CAGCTGGAAGCCCTGAACCAATCCATCAGTGCCCTGACGGAAGCTACTTCCCAGCAGCAG[G>A]ACTCAGAGACCATGGCCCCAGAGGAGTCTTTGAAGGAAGCACCCTCTGCCCCAGTGATCC-3'
Protein context (NP_057591.2, residues 1159-1179): ALTEATSQQQ[Asp1169Asn]SETMAPEESL